The following is an entry in ClinVar:

NM_172107.4(KCNQ2):c.1197dup (p.Lys400Ter)

Gene: KCNQ2 (potassium voltage-gated channel subfamily Q member 2; minus strand). Cytogenetic location: 20q13.33.
Variant type: Duplication.
Coding change: c.1197dup on transcript NM_172107.4 (MANE Select); coding-DNA position 1197, one base duplicated (T; older notation c.1197dupT).
Protein change: p.Lys400Ter; replaces lysine 400 with a stop codon.
Molecular consequence: nonsense.
Genome position (GRCh38, 1-based): chr20:63,428,387, A duplicated on the plus strand (T on the coding strand, the reverse complement: KCNQ2 is on the minus strand). VCF-style (leftmost placement, unchanged base first): chr20-63428386-T-TA. GRCh37 (hg19) VCF-style: chr20-62059739-T-TA.
Other names: c.1197dup, p.Lys400Ter (NM_001382235.1, NM_172106.3, NM_172108.5); c.1167dup, p.Lys390Ter (NM_004518.6); short protein forms K400*, K390*.
Identifiers: ClinVar variation 3649685 (VCV003649685.2).

ClinVar aggregate classification (germline): Pathogenic (1 of 4 stars; one submission).

Conditions:
Early-infantile DEE. Also called: Early infantile epileptic encephalopathy; Ohtahara syndrome; Early infantile epileptic encephalopathy with suppression bursts. Identifiers: Orphanet 1934, MedGen C0393706, MONDO:0800491.

Submission:

Labcorp Genetics (formerly Invitae), Labcorp
Classification: Pathogenic for Early-infantile DEE. Last evaluated: 2024-04-12. Review status: criteria provided, single submitter. Criteria: Invitae Variant Classification Sherloc (09022015). Collection method: clinical testing. Allele origin: germline.
Comment: This sequence change creates a premature translational stop signal (p.Lys400*) in the KCNQ2 gene. It is expected to result in an absent or disrupted protein product. Loss-of-function variants in KCNQ2 are known to be pathogenic (PMID: 14534157, 23692823, 27779742). This variant is not present in population databases (gnomAD no frequency). This variant has not been reported in the literature in individuals affected with KCNQ2-related conditions. For these reasons, this variant has been classified as Pathogenic.

Literature cited by the submitters: PubMed 14534157; PubMed 23692823; PubMed 27779742.